The following is an entry in ClinVar:

ClinVar aggregate classification (germline): Uncertain significance. Review status: criteria provided, multiple submitters, no conflicts (2 of 4 stars). 2 submissions from 2 submitters: Uncertain significance (2). Last evaluated 2025-12-11.

Conditions:
Inborn genetic diseases. Identifiers: MedGen C0950123, MeSH D030342.

Submissions (2):

Ambry Genetics
Classification: Uncertain significance for Inborn genetic diseases. Last evaluated: 2025-12-11. Review status: criteria provided, single submitter. Criteria: Ambry Variant Classification Scheme 2023. Collection method: clinical testing. Allele origin: germline.

Labcorp Genetics (formerly Invitae), Labcorp
Classification: Uncertain significance. Last evaluated: 2022-04-06. Review status: criteria provided, single submitter. Criteria: Invitae Variant Classification Sherloc (09022015). Collection method: clinical testing. Allele origin: germline.
Comment: This sequence change replaces arginine, which is basic and polar, with histidine, which is basic and polar, at codon 594 of the ITGA6 protein (p.Arg594His). This variant is present in population databases (rs754282661, gnomAD 0.005%). This variant has not been reported in the literature in individuals affected with ITGA6-related conditions. Algorithms developed to predict the effect of missense changes on protein structure and function (SIFT, PolyPhen-2, Align-GVGD) all suggest that this variant is likely to be tolerated. In summary, the available evidence is currently insufficient to determine the role of this variant in disease. Therefore, it has been classified as a Variant of Uncertain Significance.

NM_000210.4(ITGA6):c.1781G>A (p.Arg594His)

Genes: PDK1-AS1 (PDK1 and ITGA6 antisense RNA 1; minus strand), ITGA6 (integrin subunit alpha 6; plus strand). Cytogenetic location: 2q31.1.
Variant type: single nucleotide variant.
Coding change: c.1781G>A on transcript NM_000210.4 (MANE Select); coding-DNA position 1781, G replaced by A.
Protein change: p.Arg594His; replaces arginine 594 with histidine.
Molecular consequence: missense variant.
Genome position (GRCh38, 1-based): chr2:172,485,191, G>A. VCF-style: chr2-172485191-G-A. GRCh37 (hg19) VCF-style: chr2-173349919-G-A.
Other names: c.1781G>A, p.Arg594His (NM_001079818.3, NM_001365529.2, NM_001365530.2); c.1424G>A, p.Arg475His (NM_001316306.2); c.1898G>A, p.Arg633His (NM_001394928.1); c.1781G>A (NM_000210.2); short protein forms R475H, R594H, R633H.
Identifiers: ClinVar variation 2170768 (VCV002170768.2), dbSNP rs754282661, ClinGen allele CA1968217.